The following is an entry in ClinVar:

NM_006231.4(POLE):c.6754A>T (p.Met2252Leu)

Gene: POLE (DNA polymerase epsilon, catalytic subunit; minus strand). Cytogenetic location: 12q24.33.
Variant type: single nucleotide variant.
Coding change: c.6754A>T on transcript NM_006231.4 (MANE Select); coding-DNA position 6754, A replaced by T.
Protein change: p.Met2252Leu; replaces methionine 2252 with leucine.
Molecular consequence: missense variant.
Genome position (GRCh38, 1-based): chr12:132,624,804, T>A on the plus strand (A>T on the coding strand, the complement: POLE is on the minus strand). VCF-style: chr12-132624804-T-A. GRCh37 (hg19) VCF-style: chr12-133201390-T-A.
Other names: short protein forms M2252L.
Identifiers: ClinVar variation 1060085 (VCV001060085.11), dbSNP rs759660507, ClinGen allele CA387365910.

ClinVar aggregate classification (germline): Uncertain significance. Review status: criteria provided, multiple submitters, no conflicts (2 of 4 stars). 2 submissions from 2 submitters: Uncertain significance (2). Last evaluated 2022-06-26.

Conditions:
Hereditary cancer-predisposing syndrome. Also called: Neoplastic Syndromes, Hereditary; Hereditary Cancer Syndrome; Hereditary neoplastic syndrome; Tumor predisposition. Identifiers: Orphanet 140162, MedGen C0027672, MeSH D009386, MONDO:0015356.

Submissions (2):

Ambry Genetics
Classification: Uncertain significance for Hereditary cancer-predisposing syndrome. Last evaluated: 2022-06-26. Review status: criteria provided, single submitter. Criteria: Ambry Variant Classification Scheme 2023. Collection method: clinical testing. Allele origin: germline.
Comment: The p.M2252L variant (also known as c.6754A>T), located in coding exon 49 of the POLE gene, results from an A to T substitution at nucleotide position 6754. The methionine at codon 2252 is replaced by leucine, an amino acid with highly similar properties. This amino acid position is conserved. In addition, this alteration is predicted to be tolerated by in silico analysis. Since supporting evidence is limited at this time, the clinical significance of this alteration remains unclear.

Labcorp Genetics (formerly Invitae), Labcorp
Classification: Uncertain significance. Last evaluated: 2020-03-25. Review status: criteria provided, single submitter. Criteria: Invitae Variant Classification Sherloc (09022015). Collection method: clinical testing. Allele origin: germline.
Comment: In summary, the available evidence is currently insufficient to determine the role of this variant in disease. Therefore, it has been classified as a Variant of Uncertain Significance. Algorithms developed to predict the effect of missense changes on protein structure and function output the following: SIFT: "Tolerated"; PolyPhen-2: "Benign"; Align-GVGD: "Class C0". The leucine amino acid residue is found in multiple mammalian species, suggesting that this missense change does not adversely affect protein function. These predictions have not been confirmed by published functional studies and their clinical significance is uncertain. This variant has not been reported in the literature in individuals with POLE-related conditions. This variant is not present in population databases (ExAC no frequency). This sequence change replaces methionine with leucine at codon 2252 of the POLE protein (p.Met2252Leu). The methionine residue is weakly conserved and there is a small physicochemical difference between methionine and leucine.